The following is an entry in ClinVar:

NM_002972.4(SBF1):c.3044G>A (p.Arg1015Gln)

Gene: SBF1 (SET binding factor 1; minus strand). Cytogenetic location: 22q13.33.
Variant type: single nucleotide variant.
Coding change: c.3044G>A on transcript NM_002972.4 (MANE Select); coding-DNA position 3044, G replaced by A.
Protein change: p.Arg1015Gln; replaces arginine 1015 with glutamine.
Molecular consequence: missense variant.
Genome position (GRCh38, 1-based): chr22:50,460,636, C>T on the plus strand (G>A on the coding strand, the complement: SBF1 is on the minus strand). VCF-style: chr22-50460636-C-T. GRCh37 (hg19) VCF-style: chr22-50899065-C-T.
Other names: p.Arg1015Gln; c.3047G>A, p.Arg1016Gln (NM_001365819.1); c.3044G>A (NM_002972.2, NM_002972.3); short protein forms R1015Q, R1016Q.
Identifiers: ClinVar variation 1284831 (VCV001284831.11), dbSNP rs372268920, ClinGen allele CA10316907.
Genomic context (GRCh38, chr22:50,460,636, plus strand): 5'-CCAGGTGTGTGGGCAGAGCCCAAGGTGAACGCAAAGGTGGCCCTGATGTCCGGCGGGTAC[C>T]GCAGCTTATGCAGCTGCTTACGGAAGAGCTCGGCGCTGTCAGACCCCACCTCCTCGTCAA-3'
Protein context (NP_002963.2, residues 1005-1025): ELFRKQLHKL[Arg1015Gln]YPPDIRATFA

ClinVar aggregate classification (germline): Conflicting classifications of pathogenicity. Review status: criteria provided, conflicting classifications (1 of 4 stars). 6 submissions from 6 submitters: Uncertain significance (3); Benign (1). 2 of the submissions do not count toward it. Last evaluated 2026-08-10.

Conditions:
Tip-toe gait. Also called: Toe walking. Identifiers: MedGen C0427144, HP:0030051.

Allele frequency attached by ClinVar (database versions not stated): gnomAD exomes 0.00018 and 0.00022; TOPMed 0.00018; gnomAD 0.00013; ESP Exome Variant Server 0.00016; ExAC 0.00027.
gnomAD v4.1: 285 of 1,613,946 alleles (0.018%); highest among the groups gnomAD compares: South Asian, 0.03%; no homozygotes.

Submissions (6):

GeneDx
Classification: Uncertain significance. Last evaluated: 2026-08-10. Review status: criteria provided, single submitter. Criteria: GeneDx Variant Classification Process June 2021. Collection method: clinical testing. Allele origin: germline.
Comment: In silico analysis supports that this missense variant has a deleterious effect on protein structure/function; Reported as a single heterozygous variant in a patient with atypical adulthood X-linked adrenoleukodystrophy who also harbored additional variants in genes related to the phenotype (PMID: 30787906); This variant is associated with the following publications: (PMID: 30787906, 41737274)

Mayo Clinic Laboratories, Mayo Clinic
Classification: Uncertain significance. Last evaluated: 2025-10-28. Review status: criteria provided, single submitter. Criteria: ACMG Guidelines, 2015. Collection method: clinical testing. Allele origin: germline. Observed: 2 variant alleles.

Practice for Gait Abnormalities, David Pomarino, Competency Network Toe Walking C/o Practice Pomarino
Classification: Benign for Tip-toe gait. Last evaluated: 2023-06-19. Review status: criteria provided, single submitter. Criteria: Pomarino et al. (Glob Med Genet. 2026). Collection method: clinical testing. Allele origin: germline. Affected: yes.

Labcorp Genetics (formerly Invitae), Labcorp
Classification: Uncertain significance. Last evaluated: 2022-07-19. Review status: criteria provided, single submitter. Criteria: Invitae Variant Classification Sherloc (09022015). Collection method: clinical testing. Allele origin: germline.
Comment: This sequence change replaces arginine, which is basic and polar, with glutamine, which is neutral and polar, at codon 1015 of the SBF1 protein (p.Arg1015Gln). This variant is present in population databases (rs372268920, gnomAD 0.04%). This variant has not been reported in the literature in individuals affected with SBF1-related conditions. ClinVar contains an entry for this variant (Variation ID: 1284831). Algorithms developed to predict the effect of missense changes on protein structure and function are either unavailable or do not agree on the potential impact of this missense change (SIFT: "Deleterious"; PolyPhen-2: "Probably Damaging"; Align-GVGD: "Class C0"). In summary, the available evidence is currently insufficient to determine the role of this variant in disease. Therefore, it has been classified as a Variant of Uncertain Significance.

Clinical Genetics DNA and cytogenetics Diagnostics Lab, Erasmus MC, Erasmus Medical Center
Classification: Uncertain significance. Review status: no assertion criteria provided. Collection method: clinical testing. Allele origin: germline. Affected: yes. Study: VKGL Data-share Consensus. Not counted in ClinVar's aggregate classification.

Clinical Genetics, Academic Medical Center
Classification: Uncertain significance. Review status: no assertion criteria provided. Collection method: clinical testing. Allele origin: germline. Affected: yes. Study: VKGL Data-share Consensus. Not counted in ClinVar's aggregate classification.

Literature cited by the submitters: PubMed 30787906 (cited by Mayo Clinic Laboratories, Mayo Clinic).